The following is an entry in ClinVar:

ClinVar aggregate classification (germline): Uncertain significance. Review status: criteria provided, multiple submitters, no conflicts (2 of 4 stars). 4 submissions from 4 submitters: Uncertain significance (3). 1 of the submissions does not count toward it. Last evaluated 2023-08-15.

Conditions:
Breast-ovarian cancer, familial, susceptibility to, 2 (BROVCA2). Also called: BRCA2 Hereditary Breast and Ovarian Cancer. Identifiers: Orphanet 145, MedGen C2675520, MONDO:0012933, OMIM 612555. Disease mechanism: loss of function.
BRCA2-related disorder. Also called: BRCA2-related condition; BRCA2-related disorders. Identifiers: MedGen CN239275.
Hereditary breast ovarian cancer syndrome. Also called: BRCA1- and BRCA2-Associated Hereditary Breast and Ovarian Cancer; Hereditary breast and/or ovarian cancer syndrome; Hereditary breast and ovarian cancer syndrome (HBOC); Breast and ovarian cancer; Hereditary breast and ovarian cancer; Hereditary breast and ovarian cancer syndrome. Identifiers: Orphanet 145, MedGen C0677776, MeSH D061325, MONDO:0003582. Disease mechanism: loss of function.

Submissions (4):

All of Us Research Program, National Institutes of Health
Classification: Uncertain significance for Breast-ovarian cancer, familial, susceptibility to, 2. Last evaluated: 2023-08-15. Review status: criteria provided, single submitter. Criteria: ACMG Guidelines, 2015. Collection method: clinical testing. Allele origin: germline. Inheritance: Autosomal dominant inheritance. Observed: 1 variant allele, 1 heterozygote.
Comment: This study involves interpretation of variants in research participants for the purpose of population health screening. Participant phenotype was not available at the time of variant classification. Additional details can be found in publication PMID: 35346344, PMCID: PMC8962531

Women's Health and Genetics/Laboratory Corporation of America, LabCorp
Classification: Uncertain significance. Last evaluated: 2023-04-06. Review status: criteria provided, single submitter. Criteria: LabCorp Variant Classification Summary - May 2015. Collection method: clinical testing. Allele origin: germline.

Labcorp Genetics (formerly Invitae), Labcorp
Classification: Uncertain significance for Hereditary breast ovarian cancer syndrome. Last evaluated: 2023-02-15. Review status: criteria provided, single submitter. Criteria: Invitae Variant Classification Sherloc (09022015). Collection method: clinical testing. Allele origin: germline.
Comment: This sequence change replaces methionine, which is neutral and non-polar, with leucine, which is neutral and non-polar, at codon 3118 of the BRCA2 protein (p.Met3118Leu). This variant is not present in population databases (gnomAD no frequency). This variant has not been reported in the literature in individuals affected with BRCA2-related conditions. ClinVar contains an entry for this variant (Variation ID: 580681). Advanced modeling of protein sequence and biophysical properties (such as structural, functional, and spatial information, amino acid conservation, physicochemical variation, residue mobility, and thermodynamic stability) performed at Invitae indicates that this missense variant is not expected to disrupt BRCA2 protein function. In summary, the available evidence is currently insufficient to determine the role of this variant in disease. Therefore, it has been classified as a Variant of Uncertain Significance.

PreventionGenetics, part of Exact Sciences
Classification: Uncertain significance for BRCA2-related condition. Last evaluated: 2024-05-22. Review status: no assertion criteria provided. Collection method: clinical testing. Allele origin: germline. Not counted in ClinVar's aggregate classification.
Comment: The BRCA2 c.9352A>C variant is predicted to result in the amino acid substitution p.Met3118Leu. To our knowledge, this variant has not been reported in the literature or in a large population database, indicating this variant is rare. This variant has been classified as a variant of uncertain significance by multiple submitters in Clinvar (Clinvar ID: 580681). At this time, the clinical significance of this variant is uncertain due to the absence of conclusive functional and genetic evidence.

NM_000059.4(BRCA2):c.9352A>C (p.Met3118Leu)

Gene: BRCA2 (BRCA2 DNA repair associated; plus strand). Cytogenetic location: 13q13.1.
Variant type: single nucleotide variant.
Coding change: c.9352A>C on transcript NM_000059.4 (MANE Select); coding-DNA position 9352, A replaced by C.
Protein change: p.Met3118Leu; replaces methionine 3118 with leucine.
Molecular consequence: missense variant.
Genome position (GRCh38, 1-based): chr13:32,394,784, A>C. VCF-style: chr13-32394784-A-C. GRCh37 (hg19) VCF-style: chr13-32968921-A-C.
Other names: short protein forms M3118L.
Identifiers: ClinVar variation 580681 (VCV000580681.13), dbSNP rs1566258951, ClinGen allele CA387761105.